The following is an entry in ClinVar:

ClinVar aggregate classification (germline): Uncertain significance (1 of 4 stars; one submission).

Allele frequency attached by ClinVar (database versions not stated): gnomAD exomes below 0.00001; ExAC 0.00001.

Submission:

Greenwood Genetic Center Diagnostic Laboratories, Greenwood Genetic Center
Classification: Uncertain significance. Last evaluated: 2021-08-09. Review status: criteria provided, single submitter. Criteria: ACMG Guidelines, 2015. Collection method: clinical testing. Allele origin: germline. Affected: yes.
Comment: PM3_Supporting, PP3, PM2

NM_000550.3(TYRP1):c.170G>A (p.Gly57Asp)

Gene: TYRP1 (tyrosinase related protein 1; plus strand). Cytogenetic location: 9p23.
Variant type: single nucleotide variant.
Coding change: c.170G>A on transcript NM_000550.3 (MANE Select); coding-DNA position 170, G replaced by A.
Protein change: p.Gly57Asp; replaces glycine 57 with aspartic acid.
Molecular consequence: missense variant.
Genome position (GRCh38, 1-based): chr9:12,694,166, G>A. VCF-style: chr9-12694166-G-A. GRCh37 (hg19) VCF-style: chr9-12694166-G-A.
Other names: short protein forms G57D.
Identifiers: ClinVar variation 1334530 (VCV001334530.4), dbSNP rs750211503, ClinGen allele CA4985132.